The following is an entry in ClinVar:

ClinVar aggregate classification (germline): Uncertain significance (1 of 4 stars; one submission).

Conditions:
Conduction disorder of the heart. Also called: Cardiac conduction defect. Identifiers: Orphanet 871, MedGen C0264886, MONDO:0100042, OMIM 115080.

Allele frequency attached by ClinVar (database versions not stated): gnomAD 0.00001; ExAC 0.00003.
gnomAD v4.1: 12 of 1,606,878 alleles (0.00075%); highest among the groups gnomAD compares: South Asian, 0.011%; no homozygotes.

Submission:

Neuberg Centre For Genomic Medicine, NCGM
Classification: Uncertain significance for Conduction disorder of the heart. Review status: criteria provided, single submitter. Criteria: ACMG Guidelines, 2015. Collection method: clinical testing. Allele origin: germline. Inheritance: Autosomal dominant inheritance. Affected: yes.
Comment: The splice region variant c.1467+5C>A in AKAP10 (NM_007202.4) has not been reported previously as a pathogenic variant nor as a benign variant, to our knowledge. The c.1467+5C>A variant is not predicted to disrupt splicing by any splice site algorithm. The c.1467+5C>A variant results in a substitution of a base that is not predicted conserved by GERP++ and PhyloP. For these reasons, this variant has been classified as Uncertain Significance.

NM_007202.4(AKAP10):c.1467+5C>A

Gene: AKAP10 (A-kinase anchoring protein 10; minus strand). Cytogenetic location: 17p11.2.
Variant type: single nucleotide variant.
Coding change: c.1467+5C>A on transcript NM_007202.4 (MANE Select); 5 bases into the intron after coding-DNA position 1467, C replaced by A.
Molecular consequence: intron variant.
Genome position (GRCh38, 1-based): chr17:19,936,281, G>T on the plus strand (C>A on the coding strand, the complement: AKAP10 is on the minus strand). VCF-style: chr17-19936281-G-T. GRCh37 (hg19) VCF-style: chr17-19839594-G-T.
Other names: c.1467+5C>A (NM_001330152.2).
Identifiers: ClinVar variation 2585217 (VCV002585217.1), dbSNP rs767054513, ClinGen allele CA8445795.